The following is an entry in ClinVar:

NM_001375567.1(FOCAD):c.1330A>G (p.Ile444Val)

Gene: FOCAD (focadhesin; plus strand). Cytogenetic location: 9p21.3.
Variant type: single nucleotide variant.
Coding change: c.1330A>G on transcript NM_001375567.1 (MANE Select); coding-DNA position 1330, A replaced by G.
Protein change: p.Ile444Val; replaces isoleucine 444 with valine.
Molecular consequence: missense variant.
Genome position (GRCh38, 1-based): chr9:20,789,483, A>G. VCF-style: chr9-20789483-A-G. GRCh37 (hg19) VCF-style: chr9-20789482-A-G.
Other names: c.1330A>G, p.Ile444Val (NM_001375568.1, NM_017794.5); c.1225A>G, p.Ile409Val (NM_001375570.1); short protein forms I409V, I444V.
Identifiers: ClinVar variation 3631151 (VCV003631151.2).

ClinVar aggregate classification (germline): Uncertain significance (1 of 4 stars; one submission).

gnomAD v4.1: 8 of 1,613,898 alleles (0.0005%); highest among the groups gnomAD compares: Non-Finnish European, 0.00051%; no homozygotes.

Submission:

Labcorp Genetics (formerly Invitae), Labcorp
Classification: Uncertain significance. Last evaluated: 2026-01-12. Review status: criteria provided, single submitter. Criteria: Invitae Variant Classification Sherloc (09022015). Collection method: clinical testing. Allele origin: germline.
Comment: This sequence change replaces isoleucine, which is neutral and non-polar, with valine, which is neutral and non-polar, at codon 444 of the FOCAD protein (p.Ile444Val). This variant is not present in population databases (gnomAD no frequency). This variant has not been reported in the literature in individuals affected with FOCAD-related conditions. ClinVar contains an entry for this variant (Variation ID: 3631151). An algorithm developed to predict the effect of missense changes on protein structure and function outputs the following: PolyPhen-2: "Not Available". The valine amino acid residue is found in multiple mammalian species, which suggests that this missense change does not adversely affect protein function. In summary, the available evidence is currently insufficient to determine the role of this variant in disease. Therefore, it has been classified as a Variant of Uncertain Significance.